The following is an entry in ClinVar:

NM_000152.5(GAA):c.1940G>A (p.Cys647Tyr)

Gene: GAA (alpha glucosidase; plus strand). Cytogenetic location: 17q25.3.
Variant type: single nucleotide variant.
Coding change: c.1940G>A on transcript NM_000152.5 (MANE Select); coding-DNA position 1940, G replaced by A.
Protein change: p.Cys647Tyr; replaces cysteine 647 with tyrosine.
Molecular consequence: missense variant.
Genome position (GRCh38, 1-based): chr17:80,112,927, G>A. VCF-style: chr17-80112927-G-A. GRCh37 (hg19) VCF-style: chr17-78086726-G-A.
Other names: c.1940G>A, p.Cys647Tyr (NM_001079803.3, NM_001079804.3, NM_001406741.1 and 1 more transcripts); short protein forms C647Y.
Identifiers: ClinVar variation 2431980 (VCV002431980.6), dbSNP rs1265892085, ClinGen allele CA401369918.

ClinVar aggregate classification (germline): Conflicting classifications of pathogenicity. Review status: criteria provided, conflicting classifications (1 of 4 stars). 2 submissions from 2 submitters: Likely pathogenic (1); Uncertain significance (1). Last evaluated 2023-05-26.

Conditions:
Glycogen storage disease, type II (IOPD). Also called: GSD II; Glucosidase acid-1,4-alpha deficiency; POMPE DISEASE, INFANTILE-ONSET; GLYCOGEN STORAGE DISEASE II, INFANTILE-ONSET; ACID ALPHA-GLUCOSIDASE DEFICIENCY, INFANTILE-ONSET; GAA DEFICIENCY, INFANTILE-ONSET. Identifiers: Orphanet 365, MedGen C0017921, MONDO:0009290, OMIM 232300.

Submissions (2):

Labcorp Genetics (formerly Invitae), Labcorp
Classification: Likely pathogenic for Glycogen storage disease, type II. Last evaluated: 2023-05-26. Review status: criteria provided, single submitter. Criteria: Invitae Variant Classification Sherloc (09022015). Collection method: clinical testing. Allele origin: germline.
Comment: In summary, the currently available evidence indicates that the variant is pathogenic, but additional data are needed to prove that conclusively. Therefore, this variant has been classified as Likely Pathogenic. This variant disrupts the p.Cys647 amino acid residue in GAA. Other variant(s) that disrupt this residue have been determined to be pathogenic (PMID: 7981676, 9535769, 17723315, 19588081, 22658377, 25681614). This suggests that this residue is clinically significant, and that variants that disrupt this residue are likely to be disease-causing. Advanced modeling of protein sequence and biophysical properties (such as structural, functional, and spatial information, amino acid conservation, physicochemical variation, residue mobility, and thermodynamic stability) performed at Invitae indicates that this missense variant is expected to disrupt GAA protein function. ClinVar contains an entry for this variant (Variation ID: 2431980). This variant has not been reported in the literature in individuals affected with GAA-related conditions. This variant is not present in population databases (gnomAD no frequency). This sequence change replaces cysteine, which is neutral and slightly polar, with tyrosine, which is neutral and polar, at codon 647 of the GAA protein (p.Cys647Tyr).

Revvity Omics, Revvity
Classification: Uncertain significance. Last evaluated: 2022-03-14. Review status: criteria provided, single submitter. Criteria: ACMG Guidelines, 2015. Collection method: clinical testing. Allele origin: germline.

Literature cited by the submitters: PubMed 7981676 (cited by Labcorp Genetics (formerly Invitae), Labcorp); PubMed 9535769 (cited by Labcorp Genetics (formerly Invitae), Labcorp); PubMed 17723315 (cited by Labcorp Genetics (formerly Invitae), Labcorp); PubMed 19588081 (cited by Labcorp Genetics (formerly Invitae), Labcorp); PubMed 22658377 (cited by Labcorp Genetics (formerly Invitae), Labcorp); PubMed 25681614 (cited by Labcorp Genetics (formerly Invitae), Labcorp).